The following is an entry in ClinVar:

ClinVar aggregate classification (germline): Conflicting classifications of pathogenicity. Review status: criteria provided, conflicting classifications (1 of 4 stars). 5 submissions from 5 submitters: Uncertain significance (2); Likely benign (3). Last evaluated 2026-09-01.

Conditions:
Epiphyseal dysplasia, multiple, 2 (EDM2). Also called: COL9A2-Related Multiple Epiphyseal Dysplasia. Identifiers: MedGen C1838429, MONDO:0010844, OMIM 600204.

Allele frequency attached by ClinVar (database versions not stated): gnomAD 0.00005; TOPMed 0.00008; gnomAD exomes 0.00009.

Submissions (5):

CeGaT Center for Human Genetics Tuebingen
Classification: Likely benign. Last evaluated: 2026-09-01. Review status: criteria provided, single submitter. Criteria: CeGaT Center For Human Genetics Tuebingen Variant Classification Criteria Version 2. Collection method: clinical testing. Allele origin: germline. Affected: yes. Observed: 1 variant allele.
Comment: COL9A2: BP4

Labcorp Genetics (formerly Invitae), Labcorp
Classification: Likely benign. Last evaluated: 2025-12-03. Review status: criteria provided, single submitter. Criteria: Invitae Variant Classification Sherloc (09022015). Collection method: clinical testing. Allele origin: germline.

Women's Health and Genetics/Laboratory Corporation of America, LabCorp
Classification: Uncertain significance. Last evaluated: 2024-08-14. Review status: criteria provided, single submitter. Criteria: LabCorp Variant Classification Summary - May 2015. Collection method: clinical testing. Allele origin: germline.
Comment: Variant summary: COL9A2 c.230A>C (p.Asp77Ala) results in a non-conservative amino acid change in the encoded protein sequence. Four of five in-silico tools predict a benign effect of the variant on protein function. The variant allele was found at a frequency of 0.00018 in 251484 control chromosomes. This frequency is not significantly higher than estimated for a pathogenic variant in COL9A2 causing Epiphyseal dysplasia, multiple, 2, allowing no conclusion about variant significance. To our knowledge, no occurrence of c.230A>C in individuals affected with Epiphyseal dysplasia, multiple, 2 and no experimental evidence demonstrating its impact on protein function have been reported. ClinVar contains an entry for this variant (Variation ID: 297312). Based on the evidence outlined above, the variant was classified as uncertain significance.

GeneDx
Classification: Uncertain significance. Last evaluated: 2023-05-02. Review status: criteria provided, single submitter. Criteria: GeneDx Variant Classification Process June 2021. Collection method: clinical testing. Allele origin: germline. Affected: yes.
Comment: Has not been previously published as pathogenic or benign to our knowledge; In silico analysis supports that this missense variant does not alter protein structure/function

Illumina Laboratory Services, Illumina
Classification: Likely benign for Epiphyseal dysplasia, multiple, 2. Last evaluated: 2018-01-12. Review status: criteria provided, single submitter. Criteria: ICSL Variant Classification Criteria 13 December 2019. Collection method: clinical testing. Allele origin: germline.
Comment: This variant was observed in the ICSL laboratory as part of a predisposition screen in an ostensibly healthy population. It had not been previously curated by ICSL or reported in the Human Gene Mutation Database (HGMD: prior to June 1st, 2018), and was therefore a candidate for classification through an automated scoring system. Utilizing variant allele frequency, disease prevalence and penetrance estimates, and inheritance mode, an automated score was calculated to assess if this variant is too frequent to cause the disease. Based on the score and internal cut-off values, a variant classified as likely benign is not then subjected to further curation. The score for this variant resulted in a classification of likely benign for this disease.

NM_001852.4(COL9A2):c.230A>C (p.Asp77Ala)

Gene: COL9A2 (collagen type IX alpha 2 chain; minus strand). Cytogenetic location: 1p34.2.
Variant type: single nucleotide variant.
Coding change: c.230A>C on transcript NM_001852.4 (MANE Select); coding-DNA position 230, A replaced by C.
Protein change: p.Asp77Ala; replaces aspartic acid 77 with alanine.
Molecular consequence: missense variant.
Genome position (GRCh38, 1-based): chr1:40,314,224, T>G on the plus strand (A>C on the coding strand, the complement: COL9A2 is on the minus strand). VCF-style: chr1-40314224-T-G. GRCh37 (hg19) VCF-style: chr1-40779896-T-G.
Other names: short protein forms D77A.
Identifiers: ClinVar variation 297312 (VCV000297312.16), dbSNP rs200737977, ClinGen allele CA792066.
Genomic context (GRCh38, chr1:40,314,224, plus strand): 5'-GCAGAGCCCTACCCTGCCCCACCCGACACTCAGCTACTCACATCAATCCCGGGCTTCCCG[T>G]CTGGCCCATCTGGCCCAGCTTTGCCAGGCTCGCCCTTGGGTCCCTTGAAAACAGAGATGG-3'
Protein context (NP_001843.1, residues 67-87): EPGKAGPDGP[Asp77Ala]GKPGIDGLTG